The following is an entry in ClinVar:

NM_000760.4(CSF3R):c.1216G>A (p.Val406Met)

Gene: CSF3R (colony stimulating factor 3 receptor; minus strand). Cytogenetic location: 1p34.3.
Variant type: single nucleotide variant.
Coding change: c.1216G>A on transcript NM_000760.4 (MANE Select); coding-DNA position 1216, G replaced by A.
Protein change: p.Val406Met; replaces valine 406 with methionine.
Molecular consequence: missense variant.
Genome position (GRCh38, 1-based): chr1:36,471,502, C>T on the plus strand (G>A on the coding strand, the complement: CSF3R is on the minus strand). VCF-style: chr1-36471502-C-T. GRCh37 (hg19) VCF-style: chr1-36937103-C-T.
Other names: c.1216G>A, p.Val406Met (NM_156039.3, NM_172313.3); short protein forms V406M.
Identifiers: ClinVar variation 835505 (VCV000835505.9), dbSNP rs1364558879, ClinGen allele CA339421736.
Genomic context (GRCh38, chr1:36,471,502, plus strand): 5'-CTGAGAAGACCACCGGAGTGGGACGAGAGGTCCCGGCTGAGTTATAGGCCACAAGGGCCA[C>T]CTCCTGGGCTTCTGAAGGCAGGTGGAAGGTGCAGCTGAGCTCTGTGGTGTTGCAGAGGGG-3'
Protein context (NP_000751.1, residues 396-416): TFHLPSEAQE[Val406Met]ALVAYNSAGT

ClinVar aggregate classification (germline): Uncertain significance (1 of 4 stars; one submission).

Conditions:
Autosomal recessive severe congenital neutropenia due to CSF3R deficiency. Also called: Neutropenia, severe congenital, 7, autosomal recessive. Identifiers: Orphanet 420702, MedGen C4310764, MONDO:0014865, OMIM 617014.

Allele frequency attached by ClinVar (database versions not stated): gnomAD exomes below 0.00001; TOPMed below 0.00001; gnomAD 0.00001.

Submission:

Labcorp Genetics (formerly Invitae), Labcorp
Classification: Uncertain significance for Autosomal recessive severe congenital neutropenia due to CSF3R deficiency. Last evaluated: 2019-12-08. Review status: criteria provided, single submitter. Criteria: Invitae Variant Classification Sherloc (09022015). Collection method: clinical testing. Allele origin: germline.
Comment: This sequence change replaces valine with methionine at codon 406 of the CSF3R protein (p.Val406Met). The valine residue is moderately conserved and there is a small physicochemical difference between valine and methionine. This variant is not present in population databases (ExAC no frequency). This variant has not been reported in the literature in individuals with CSF3R-related conditions. Algorithms developed to predict the effect of missense changes on protein structure and function are either unavailable or do not agree on the potential impact of this missense change (SIFT: "Tolerated"; PolyPhen-2: "Probably Damaging"; Align-GVGD: "Class C0"). In summary, the available evidence is currently insufficient to determine the role of this variant in disease. Therefore, it has been classified as a Variant of Uncertain Significance.